The following is an entry in ClinVar:

NM_177438.3(DICER1):c.5095+1G>A

Gene: DICER1 (dicer 1, ribonuclease III; minus strand). Cytogenetic location: 14q32.13.
Variant type: single nucleotide variant.
Coding change: c.5095+1G>A on transcript NM_177438.3 (MANE Select); the canonical splice donor site of the intron after coding-DNA position 5095, G replaced by A.
Molecular consequence: splice donor variant. On other transcripts: missense variant (5).
Genome position (GRCh38, 1-based): chr14:95,095,824, C>T on the plus strand (G>A on the coding strand, the complement: DICER1 is on the minus strand). VCF-style: chr14-95095824-C-T. GRCh37 (hg19) VCF-style: chr14-95562161-C-T.
Other names: c.5096G>A, p.Gly1699Asp (NM_001395692.1, NM_001395693.1, NM_001395694.1 and 1 more transcripts); c.4691G>A, p.Gly1564Asp (NM_001395696.1); c.5095+1G>A (NM_001291628.2, NM_030621.4, NM_001395677.1 and 8 more transcripts); c.4690+1G>A (NM_001395690.1, NM_001395687.1, NM_001395689.1 and 1 more transcripts); c.4813+1G>A (NM_001395686.1); c.4528+1G>A (NM_001395691.1); c.3412+1G>A (NM_001395697.1); short protein forms G1564D, G1699D.
Identifiers: ClinVar variation 656892 (VCV000656892.13), dbSNP rs886037722, ClinGen allele CA390865840.
Genomic context (GRCh38, chr14:95,095,824, plus strand): 5'-CGATGAGATCAACACAAAGTCTCATTTTCCCAGAAATGAAGTCTGGTCGTGGGCTCCTTA[C>T]CAGTGATAGTATTGTAGTGGTAGGAGGCATGTGTAAAAGCCTGGAGAAGGTAAGCCTTAT-3'

ClinVar aggregate classification (germline): Pathogenic/Likely pathogenic. Review status: criteria provided, multiple submitters, no conflicts (2 of 4 stars). 3 submissions from 3 submitters: Pathogenic (2); Likely pathogenic (1). Last evaluated 2024-08-16.

Conditions:
DICER1-related tumor predisposition. Also called: DICER1 syndrome; DICER1-related pleuropulmonary blastoma cancer predisposition syndrome. Identifiers: Orphanet 284343, MedGen C3839822, MONDO:0100216.

Submissions (3):

Institute for Genomic Medicine (IGM) Clinical Laboratory, Nationwide Children's Hospital
Classification: Pathogenic for DICER1-related tumor predisposition. Last evaluated: 2024-08-16. Review status: criteria provided, single submitter. Criteria: ACMG Guidelines, 2015. Collection method: clinical testing. Allele origin: germline.
Comment: This variant is predicted to result in loss of function through nonsense-mediated decay of the encoded transcript or premature truncation of the encoded protein in a gene in which loss of function is a known mechanism of disease (ACMG/AMP: PVS1; PMIDs:19556464, 21266384, 26925222, 31342592). This variant has been reported at an elevated frequency in affected individuals/in multiple affected individuals in the literature (ACMG/AMP: PS4_Supporting; PMID:26925222). This variant is absent from or present at an exceedingly low frequency in gnomAD, a large-scale control population database (ACMG/AMP: PM2).

Labcorp Genetics (formerly Invitae), Labcorp
Classification: Pathogenic for DICER1-related tumor predisposition. Last evaluated: 2024-06-11. Review status: criteria provided, single submitter. Criteria: Invitae Variant Classification Sherloc (09022015). Collection method: clinical testing. Allele origin: germline.
Comment: This sequence change affects a donor splice site in intron 23 of the DICER1 gene. It is expected to disrupt RNA splicing. Variants that disrupt the donor or acceptor splice site typically lead to a loss of protein function (PMID: 16199547), and loss-of-function variants in DICER1 are known to be pathogenic (PMID: 19556464, 21266384). This variant is not present in population databases (gnomAD no frequency). Disruption of this splice site has been observed in individual(s) with clinical features of DICER1-related tumor predisposition syndrome (PMID: 26925222; Invitae). ClinVar contains an entry for this variant (Variation ID: 656892). Algorithms developed to predict the effect of sequence changes on RNA splicing suggest that this variant may disrupt the consensus splice site. For these reasons, this variant has been classified as Pathogenic.

PreventionGenetics, part of Exact Sciences
Classification: Likely pathogenic. Last evaluated: 2017-01-29. Review status: criteria provided, single submitter. Criteria: ACMG Guidelines, 2015. Collection method: clinical testing. Allele origin: germline.

Literature cited by the submitters: PubMed 19556464 (cited by Institute for Genomic Medicine (IGM) Clinical Laboratory, Nationwide Children's Hospital and Labcorp Genetics (formerly Invitae), Labcorp); PubMed 21266384 (cited by Institute for Genomic Medicine (IGM) Clinical Laboratory, Nationwide Children's Hospital and Labcorp Genetics (formerly Invitae), Labcorp); PubMed 26925222 (cited by Institute for Genomic Medicine (IGM) Clinical Laboratory, Nationwide Children's Hospital and Labcorp Genetics (formerly Invitae), Labcorp); PubMed 31342592 (cited by Institute for Genomic Medicine (IGM) Clinical Laboratory, Nationwide Children's Hospital); PubMed 16199547 (cited by Labcorp Genetics (formerly Invitae), Labcorp).